The following is an entry in ClinVar:

ClinVar aggregate classification (germline): Uncertain significance (1 of 4 stars; one submission).

Conditions:
POLD1-related polyposis and colorectal cancer syndrome (CRCS10). Also called: Colorectal cancer 10; COLORECTAL CANCER, SUSCEPTIBILITY TO, ON CHROMOSOME 19q; Colorectal cancer, susceptibility to, 10. Identifiers: Orphanet 220460, MedGen C2675481, MONDO:0012953, OMIM 612591.

Submission:

Labcorp Genetics (formerly Invitae), Labcorp
Classification: Uncertain significance for POLD1-related polyposis and colorectal cancer syndrome. Last evaluated: 2024-05-08. Review status: criteria provided, single submitter. Criteria: Invitae Variant Classification Sherloc (09022015). Collection method: clinical testing. Allele origin: germline.
Comment: This sequence change falls in intron 18 of the POLD1 gene. It does not directly change the encoded amino acid sequence of the POLD1 protein. This variant is not present in population databases (gnomAD no frequency). This variant has not been reported in the literature in individuals affected with POLD1-related conditions. This variant is also known as p.Gly754Argfs*139. Experimental studies and prediction algorithms are not available or were not evaluated, and the effect of this variant on mRNA splicing is currently unknown. In summary, the available evidence is currently insufficient to determine the role of this variant in disease. Therefore, it has been classified as a Variant of Uncertain Significance.

NM_002691.4(POLD1):c.2251-6_2258dup

Gene: POLD1 (DNA polymerase delta 1, catalytic subunit; plus strand). Cytogenetic location: 19q13.33.
Variant type: Duplication.
Coding change: c.2251-6_2258dup on transcript NM_002691.4 (MANE Select); 6 bases into the intron before coding-DNA position 2251 through coding-DNA position 2258, 14 bases duplicated (CCGCAGGTGGTGTA).
Molecular consequence: splice acceptor variant.
Genome position (GRCh38, 1-based): chr19:50,413,736-50,413,749, CCGCAGGTGGTGTA duplicated. VCF-style (leftmost placement, unchanged base first): chr19-50413735-C-CCCGCAGGTGGTGTA. GRCh37 (hg19) VCF-style: chr19-50916992-C-CCCGCAGGTGGTGTA.
Other names: c.2251-6_2258dup (NM_001256849.1); c.2329-6_2336dup (NM_001308632.1).
Identifiers: ClinVar variation 3652603 (VCV003652603.2).